The following is an entry in ClinVar:

NM_172362.3(KCNH1):c.1114A>G (p.Ile372Val)

Gene: KCNH1 (potassium voltage-gated channel subfamily H member 1; minus strand). Cytogenetic location: 1q32.2.
Variant type: single nucleotide variant.
Coding change: c.1114A>G on transcript NM_172362.3 (MANE Select); coding-DNA position 1114, A replaced by G.
Protein change: p.Ile372Val; replaces isoleucine 372 with valine.
Molecular consequence: missense variant.
Genome position (GRCh38, 1-based): chr1:210,919,988, T>C on the plus strand (A>G on the coding strand, the complement: KCNH1 is on the minus strand). VCF-style: chr1-210919988-T-C. GRCh37 (hg19) VCF-style: chr1-211093330-T-C.
Other names: c.1033A>G, p.Ile345Val (NM_002238.4); short protein forms I345V, I372V.
Identifiers: ClinVar variation 3677469 (VCV003677469.2).

ClinVar aggregate classification (germline): Uncertain significance (1 of 4 stars; one submission).

gnomAD v4.1: 11 of 1,614,110 alleles (0.00068%); highest among the groups gnomAD compares: Non-Finnish European, 0.00093%; no homozygotes.

Submission:

Labcorp Genetics (formerly Invitae), Labcorp
Classification: Uncertain significance. Last evaluated: 2026-01-26. Review status: criteria provided, single submitter. Criteria: Invitae Variant Classification Sherloc (09022015). Collection method: clinical testing. Allele origin: germline.
Comment: This sequence change replaces isoleucine, which is neutral and non-polar, with valine, which is neutral and non-polar, at codon 372 of the KCNH1 protein (p.Ile372Val). This variant is present in population databases (rs764314152, gnomAD 0.002%). This variant has not been reported in the literature in individuals affected with KCNH1-related conditions. ClinVar contains an entry for this variant (Variation ID: 3677469). Invitae Evidence Modeling of protein sequence and biophysical properties (such as structural, functional, and spatial information, amino acid conservation, physicochemical variation, residue mobility, and thermodynamic stability) has been performed for this missense variant. However, the output from this modeling did not meet the statistical confidence thresholds required to predict the impact of this variant on KCNH1 protein function. In summary, the available evidence is currently insufficient to determine the role of this variant in disease. Therefore, it has been classified as a Variant of Uncertain Significance.